The following is an entry in ClinVar:

NM_014339.7(IL17RA):c.1874G>A (p.Arg625His)

Gene: IL17RA (interleukin 17 receptor A; plus strand). Cytogenetic location: 22q11.1.
Variant type: single nucleotide variant.
Coding change: c.1874G>A on transcript NM_014339.7 (MANE Select); coding-DNA position 1874, G replaced by A.
Protein change: p.Arg625His; replaces arginine 625 with histidine.
Molecular consequence: missense variant.
Genome position (GRCh38, 1-based): chr22:17,109,093, G>A. VCF-style: chr22-17109093-G-A. GRCh37 (hg19) VCF-style: chr22-17589983-G-A.
Other names: c.1874G>A (NM_014339.5); c.1772G>A, p.Arg591His (NM_001289905.2); short protein forms R591H, R625H.
Identifiers: ClinVar variation 2082285 (VCV002082285.3), dbSNP rs189025188, ClinGen allele CA10086877.

ClinVar aggregate classification (germline): Uncertain significance. Review status: criteria provided, multiple submitters, no conflicts (2 of 4 stars). 2 submissions from 2 submitters: Uncertain significance (2). Last evaluated 2024-11-19.

Conditions:
Immunodeficiency 51 (IMD51). Also called: CANDIDIASIS, FAMILIAL, 5. Identifiers: Orphanet 1334, MedGen C4310803, MONDO:0013500, OMIM 613953.

Allele frequency attached by ClinVar (database versions not stated): ExAC 0.00003; ESP Exome Variant Server 0.00008; TOPMed 0.00010; gnomAD 0.00011; 1000 Genomes Project 0.00020; 1000 Genomes Project 30x 0.00031.
gnomAD v4.1: 42 of 1,563,564 alleles (0.0027%); highest among the groups gnomAD compares: African/African-American, 0.044%; no homozygotes.

Submissions (2):

Ambry Genetics
Classification: Uncertain significance. Last evaluated: 2024-11-19. Review status: criteria provided, single submitter. Criteria: Ambry Variant Classification Scheme 2023. Collection method: clinical testing. Allele origin: germline.

Labcorp Genetics (formerly Invitae), Labcorp
Classification: Uncertain significance for Immunodeficiency 51. Last evaluated: 2022-10-17. Review status: criteria provided, single submitter. Criteria: Invitae Variant Classification Sherloc (09022015). Collection method: clinical testing. Allele origin: germline.
Comment: In summary, the available evidence is currently insufficient to determine the role of this variant in disease. Therefore, it has been classified as a Variant of Uncertain Significance. Advanced modeling of protein sequence and biophysical properties (such as structural, functional, and spatial information, amino acid conservation, physicochemical variation, residue mobility, and thermodynamic stability) performed at Invitae indicates that this missense variant is not expected to disrupt IL17RA protein function. This variant has not been reported in the literature in individuals affected with IL17RA-related conditions. This variant is present in population databases (rs189025188, gnomAD 0.06%). This sequence change replaces arginine, which is basic and polar, with histidine, which is basic and polar, at codon 625 of the IL17RA protein (p.Arg625His).